The following is an entry in ClinVar:

ClinVar aggregate classification (germline): Conflicting classifications of pathogenicity. Review status: criteria provided, conflicting classifications (1 of 4 stars). 3 submissions from 3 submitters: Uncertain significance (2); Likely benign (1). Last evaluated 2026-06-10.

Conditions:
IMPG2-related disorder. Also called: IMPG2-related condition.

Allele frequency attached by ClinVar (database versions not stated): gnomAD exomes 0.00003 and 0.00011; ExAC 0.00011; 1000 Genomes Project 30x 0.00016; gnomAD 0.00043 and 0.00046; ESP Exome Variant Server 0.00046; TOPMed 0.00052.
gnomAD v4.1: 113 of 1,613,578 alleles (0.007%); highest among the groups gnomAD compares: African/African-American, 0.14%; no homozygotes.

Submissions (3):

PreventionGenetics, part of Exact Sciences
Classification: Likely benign for IMPG2-related condition. Last evaluated: 2026-06-10. Review status: criteria provided, single submitter. Criteria: ACMG Guidelines, 2015. Collection method: clinical testing. Allele origin: germline.
Comment: This variant is classified as likely benign based on ACMG/AMP sequence variant interpretation guidelines (Richards et al. 2015 PMID: 25741868, with internal and published modifications).

Labcorp Genetics (formerly Invitae), Labcorp
Classification: Uncertain significance. Last evaluated: 2024-11-11. Review status: criteria provided, single submitter. Criteria: Invitae Variant Classification Sherloc (09022015). Collection method: clinical testing. Allele origin: germline.
Comment: This sequence change replaces serine, which is neutral and polar, with glycine, which is neutral and non-polar, at codon 199 of the IMPG2 protein (p.Ser199Gly). This variant is present in population databases (rs147670488, gnomAD 0.2%). This variant has not been reported in the literature in individuals affected with IMPG2-related conditions. ClinVar contains an entry for this variant (Variation ID: 955054). An algorithm developed to predict the effect of missense changes on protein structure and function outputs the following: PolyPhen-2: "Benign". The glycine amino acid residue is found in multiple mammalian species, which suggests that this missense change does not adversely affect protein function. In summary, the available evidence is currently insufficient to determine the role of this variant in disease. Therefore, it has been classified as a Variant of Uncertain Significance.

Blueprint Genetics
Classification: Uncertain significance. Last evaluated: 2023-05-22. Review status: criteria provided, single submitter. Criteria: ACMG Guidelines, 2015. Collection method: clinical testing. Allele origin: germline.

NM_016247.4(IMPG2):c.595A>G (p.Ser199Gly)

Gene: IMPG2 (interphotoreceptor matrix proteoglycan 2; minus strand). Cytogenetic location: 3q12.3.
Variant type: single nucleotide variant.
Coding change: c.595A>G on transcript NM_016247.4 (MANE Select); coding-DNA position 595, A replaced by G.
Protein change: p.Ser199Gly; replaces serine 199 with glycine.
Molecular consequence: missense variant.
Genome position (GRCh38, 1-based): chr3:101,275,734, T>C on the plus strand (A>G on the coding strand, the complement: IMPG2 is on the minus strand). VCF-style: chr3-101275734-T-C. GRCh37 (hg19) VCF-style: chr3-100994578-T-C.
Other names: short protein forms S199G.
Identifiers: ClinVar variation 955054 (VCV000955054.8), dbSNP rs147670488, ClinGen allele CA2519430.